The following is an entry in ClinVar:

ClinVar aggregate classification (germline): Uncertain significance (1 of 4 stars; one submission).

Conditions:
Hepatic methionine adenosyltransferase deficiency. Also called: MAT I/III DEFICIENCY; Deficiency of methionine adenosyltransferase; Methionine adenosyltransferase deficiency; Isolated Persistent Hypermethioninemia. Identifiers: Orphanet 168598, MedGen C0268621, MeSH C564683, MONDO:0009607, OMIM 250850.

gnomAD v4.1: 1 of 1,614,058 alleles (0.000062%); highest among the groups gnomAD compares: East Asian, 0.0022%; no homozygotes.

Submission:

Labcorp Genetics (formerly Invitae), Labcorp
Classification: Uncertain significance for Hepatic methionine adenosyltransferase deficiency. Last evaluated: 2024-07-22. Review status: criteria provided, single submitter. Criteria: Invitae Variant Classification Sherloc (09022015). Collection method: clinical testing. Allele origin: germline.
Comment: This sequence change replaces arginine, which is basic and polar, with proline, which is neutral and non-polar, at codon 177 of the MAT1A protein (p.Arg177Pro). This variant is present in population databases (rs114494303, gnomAD 0.006%). This variant has not been reported in the literature in individuals affected with MAT1A-related conditions. Advanced modeling of protein sequence and biophysical properties (such as structural, functional, and spatial information, amino acid conservation, physicochemical variation, residue mobility, and thermodynamic stability) performed at Invitae indicates that this missense variant is expected to disrupt MAT1A protein function with a positive predictive value of 80%. This variant disrupts the p.Arg177 amino acid residue in MAT1A. Other variant(s) that disrupt this residue have been determined to be pathogenic (PMID: 24445979, 26289392, 28186605, 31061746; Invitae). This suggests that this residue is clinically significant, and that variants that disrupt this residue are likely to be disease-causing. In summary, the available evidence is currently insufficient to determine the role of this variant in disease. Therefore, it has been classified as a Variant of Uncertain Significance.

Literature cited by the submitters: PubMed 24445979; PubMed 26289392; PubMed 28186605; PubMed 31061746.

NM_000429.3(MAT1A):c.530G>C (p.Arg177Pro)

Gene: MAT1A (methionine adenosyltransferase 1A; minus strand). Cytogenetic location: 10q22.3.
Variant type: single nucleotide variant.
Coding change: c.530G>C on transcript NM_000429.3 (MANE Select); coding-DNA position 530, G replaced by C.
Protein change: p.Arg177Pro; replaces arginine 177 with proline.
Molecular consequence: missense variant.
Genome position (GRCh38, 1-based): chr10:80,280,192, C>G on the plus strand (G>C on the coding strand, the complement: MAT1A is on the minus strand). VCF-style: chr10-80280192-C-G. GRCh37 (hg19) VCF-style: chr10-82039948-C-G.
Other names: short protein forms R177P.
Identifiers: ClinVar variation 2855537 (VCV002855537.3), dbSNP rs114494303, ClinGen allele CA5576772.